The following is an entry in ClinVar:

NM_001037.5(SCN1B):c.352G>T (p.Asp118Tyr)

Gene: SCN1B (sodium voltage-gated channel beta subunit 1; plus strand). Cytogenetic location: 19q13.11.
Variant type: single nucleotide variant.
Coding change: c.352G>T on transcript NM_001037.5 (MANE Select); coding-DNA position 352, G replaced by T.
Protein change: p.Asp118Tyr; replaces aspartic acid 118 with tyrosine.
Molecular consequence: missense variant.
Genome position (GRCh38, 1-based): chr19:35,033,643, G>T. VCF-style: chr19-35033643-G-T. GRCh37 (hg19) VCF-style: chr19-35524547-G-T.
Other names: p.D118Y:GAC>TAC; c.253G>T, p.Asp85Tyr (NM_001321605.2); c.352G>T, p.Asp118Tyr (NM_199037.5); short protein forms D118Y, D85Y.
Identifiers: ClinVar variation 190861 (VCV000190861.13), dbSNP rs761925369, ClinGen allele CA302157.

ClinVar aggregate classification (germline): Uncertain significance. Review status: criteria provided, multiple submitters, no conflicts (2 of 4 stars). 3 submissions from 3 submitters: Uncertain significance (3). Last evaluated 2024-09-30.

Conditions:
Cardiovascular phenotype. Identifiers: MedGen CN230736.
Brugada syndrome 5 (BRGDA5). Identifiers: Orphanet 130, Orphanet 871, MedGen C2748541, MONDO:0013015, OMIM 612838.

Allele frequency attached by ClinVar (database versions not stated): ExAC 0.00002.
gnomAD v4.1: 8 of 1,614,066 alleles (0.0005%); highest among the groups gnomAD compares: Non-Finnish European, 0.000085%; no homozygotes.

Submissions (3):

Ambry Genetics
Classification: Uncertain significance for Cardiovascular phenotype. Last evaluated: 2024-09-30. Review status: criteria provided, single submitter. Criteria: Ambry Variant Classification Scheme 2023. Collection method: clinical testing. Allele origin: germline.
Comment: The p.D118Y variant (also known as c.352G>T), located in coding exon 3 of the SCN1B gene, results from a G to T substitution at nucleotide position 352. The aspartic acid at codon 118 is replaced by tyrosine, an amino acid with highly dissimilar properties. This amino acid position is conserved. In addition, this alteration is predicted to be tolerated by in silico analysis. Based on the available evidence, the clinical significance of this variant remains unclear.

Labcorp Genetics (formerly Invitae), Labcorp
Classification: Uncertain significance for Brugada syndrome 5. Last evaluated: 2024-02-19. Review status: criteria provided, single submitter. Criteria: Invitae Variant Classification Sherloc (09022015). Collection method: clinical testing. Allele origin: germline.
Comment: This sequence change replaces aspartic acid, which is acidic and polar, with tyrosine, which is neutral and polar, at codon 118 of the SCN1B protein (p.Asp118Tyr). This variant is present in population databases (rs761925369, gnomAD 0.02%). This variant has not been reported in the literature in individuals affected with SCN1B-related conditions. ClinVar contains an entry for this variant (Variation ID: 190861). An algorithm developed to predict the effect of missense changes on protein structure and function (PolyPhen-2) suggests that this variant is likely to be disruptive. In summary, the available evidence is currently insufficient to determine the role of this variant in disease. Therefore, it has been classified as a Variant of Uncertain Significance.

GeneDx
Classification: Uncertain significance. Last evaluated: 2014-05-16. Review status: criteria provided, single submitter. Criteria: GeneDx Variant Classification (06012015). Collection method: clinical testing. Allele origin: germline. Affected: yes.
Comment: p.Asp118Tyr (GAC>TAC): c.352 G>T in exon 3 of the SCN1B gene (NM_001037.4). The D118Y variant has not been published as a mutation, nor has it been reported as a benign polymorphism to our knowledge. The D118Y variant was not observed in approximately 6500 individuals of European and African American ancestry in the NHLBI Exome Sequencing Project, indicating it is not a common benign variant in these populations. The D118Y variant is a non-conservative amino acid substitution, which is likely to impact secondary protein structure as these residues differ in polarity, charge, size and/or other properties. This substitution occurs at a position that is conserved in mammals. In silico analysis predicts this variant is probably damaging to the protein structure/function. However, mutations in nearby residues have not been reported in association with arrhythmias. Therefore, based on the currently available information, it is unclear whether this variant is a pathogenic mutation or a rare benign variant. Brugada syndrome is primarily an autosomal dominant disease characterized by ST segment elevation on ECG in the absence of structural heart disease, associated with increased risk for syncope, ventricular tachyarrhythmia and sudden cardiac death. Brugada syndrome is most frequently caused by mutations in the genes encoding cardiac ion channel proteins, which regulate sodium and calcium movement in and out of cardiac cells (Fowler S et al., 2008; Hedley P et al., 2009). Although rare, mutations in the SCN1B gene have been reported in association with Brugada syndrome (BrugadaRet al., 2012). The variant is found in BRUGADA panel(s).